The following is an entry in ClinVar:

NM_001113491.2(SEPTIN9):c.614_618del (p.Ala205fs)

Gene: SEPTIN9 (septin 9; plus strand). Cytogenetic location: 17q25.3.
Variant type: Microsatellite.
Coding change: c.614_618del on transcript NM_001113491.2 (MANE Select); coding-DNA positions 614 to 618, 5 bases deleted (CCCAG; older notation c.614_618delCCCAG).
Protein change: p.Ala205fs; shifts the reading frame from alanine 205.
Molecular consequence: frameshift variant.
Genome position (GRCh38, 1-based): chr17:77,402,596-77,402,600, CCCAG deleted; deleting any 5 consecutive bases within chr17:77,402,586-77,402,600 gives the same sequence; the c. name uses the placement nearest the transcript's 3' end. VCF-style (leftmost placement, unchanged base first): chr17-77402585-CCCCAG-C. GRCh37 (hg19) VCF-style: chr17-75398667-CCCCAG-C.
Other names: c.122_126del, p.Ala41fs (NM_001113492.2, NM_001113494.1); c.593_597del, p.Ala198fs (NM_001113493.2); c.557_561del, p.Ala186fs (NM_001293695.2); c.560_564del, p.Ala187fs (NM_006640.5); short protein forms A205fs, A198fs, A187fs, A186fs, A41fs.
Identifiers: ClinVar variation 4724636 (VCV004724636.1).

ClinVar aggregate classification (germline): Uncertain significance (1 of 4 stars; one submission).

Submission:

Labcorp Genetics (formerly Invitae), Labcorp
Classification: Uncertain significance. Last evaluated: 2025-08-02. Review status: criteria provided, single submitter. Criteria: Invitae Variant Classification Sherloc (09022015). Collection method: clinical testing. Allele origin: germline.
Comment: This sequence change creates a premature translational stop signal (p.Ala187Aspfs*27) in the SEPT9 gene. It is expected to result in an absent or disrupted protein product. However, the current clinical and genetic evidence is not sufficient to establish whether loss-of-function variants in SEPT9 cause disease. This variant is not present in population databases (gnomAD no frequency). This variant has not been reported in the literature in individuals affected with SEPT9-related conditions. Experimental studies and prediction algorithms are not available or were not evaluated, and the functional significance of this variant is currently unknown. In summary, the available evidence is currently insufficient to determine the role of this variant in disease. Therefore, it has been classified as a Variant of Uncertain Significance.